The following is an entry in ClinVar:

NM_153240.5(NPHP3):c.2253del (p.Leu752fs)

Genes: NPHP3 (nephrocystin 3; minus strand), NPHP3-ACAD11 (NPHP3-ACAD11 readthrough (NMD candidate); minus strand). Cytogenetic location: 3q22.1.
Variant type: Deletion.
Coding change: c.2253del on transcript NM_153240.5 (MANE Select); coding-DNA position 2253, one base deleted (T; older notation c.2253delT).
Protein change: p.Leu752fs; shifts the reading frame from leucine 752.
Molecular consequence: frameshift variant. On other transcripts: non-coding transcript variant (1).
Genome position (GRCh38, 1-based): chr3:132,694,884, A deleted on the plus strand (T on the coding strand, the reverse complement: NPHP3 is on the minus strand); the first of 2 consecutive A bases (chr3:132,694,884-132,694,885); deleting either gives the same sequence. VCF-style (leftmost placement, unchanged base first): chr3-132694883-GA-G. GRCh37 (hg19) VCF-style: chr3-132413727-GA-G.
Other names: short protein forms L752fs.
Identifiers: ClinVar variation 5018668 (VCV005018668.2).

ClinVar aggregate classification (germline): Likely pathogenic (1 of 4 stars; one submission).

Conditions:
NPHP3-related Meckel-like syndrome. Also called: Meckel syndrome type 7; GOLDSTON SYNDROME. Identifiers: Orphanet 3032, MedGen C2673885, MONDO:0009966, OMIM 267010.
Renal-hepatic-pancreatic dysplasia 1 (RHPD1). Identifiers: MedGen C3715199, MONDO:0008833, OMIM 208540.
Nephronophthisis 3 (NPHP3). Also called: Adolescent nephronophthisis. Identifiers: Orphanet 655, MedGen C1858392, MONDO:0011456, OMIM 604387.

Submission:

Juno Genomics, Hangzhou Juno Genomics, Inc
Classification: Likely pathogenic for NPHP3-related Meckel-like syndrome; Nephronophthisis 3; Renal-hepatic-pancreatic dysplasia 1. Review status: criteria provided, single submitter. Criteria: ACMG Guidelines, 2015. Collection method: clinical testing. Allele origin: germline.
Comment: Absent from controls (or at extremely low frequency if recessive) in Genome Aggregation Database.;Null variant in a gene where loss of function (LOF) is a known mechanism of disease.